The following is an entry in ClinVar:

ClinVar aggregate classification (germline): Pathogenic. Review status: criteria provided, single submitter (1 of 4 stars). 2 submissions from 2 submitters: Pathogenic (1). 1 of the submissions does not count toward it. Last evaluated 2026-04-14.

Conditions:
Familial intrahepatic cholestasis. Identifiers: Orphanet 284385, MedGen CN296401, MONDO:0017290.
Cholestasis, intrahepatic, of pregnancy, 3. Identifiers: Orphanet 69665, MedGen C3554241, MONDO:0013995, OMIM 614972.

Submissions (2):

Genomenon, Inc
Classification: Pathogenic for Familial intrahepatic cholestasis. Last evaluated: 2026-04-14. Review status: criteria provided, single submitter. Criteria: Genomenon Sequence Variant Interpretation Standards - Updated. Collection method: curation. Allele origin: germline. Affected: yes.
Comment: ABCB4 p.Val219Ter (c.652del) is a nonsense variant that introduces a premature stop codon at amino acid position 219, creating a truncated protein that is predicted to undergo nonsense-mediated mRNA decay. This variant has been observed in at least one proband with an ABCB4-related disorder (PMID:32581362). It is absent or not present at a significant frequency in gnomAD. In conclusion, we classify ABCB4 p.Val219Ter (c.652del) as a pathogenic variant.

NIHR Bioresource Rare Diseases, University of Cambridge
Classification: Likely pathogenic for Cholestasis, intrahepatic, of pregnancy, 3. Review status: no assertion criteria provided. Collection method: research. Allele origin: unknown. Affected: yes. Observed: 1 variant allele. Not counted in ClinVar's aggregate classification.

Literature cited by the submitters: PubMed 32581362 (cited by Genomenon, Inc and NIHR Bioresource Rare Diseases, University of Cambridge).

NM_000443.4(ABCB4):c.652del (p.Leu218_Val219insTer)

Gene: ABCB4 (ATP binding cassette subfamily B member 4; minus strand). Cytogenetic location: 7q21.12.
Variant type: Deletion.
Coding change: c.652del on transcript NM_000443.4 (MANE Select); coding-DNA position 652, one base deleted (C; older notation c.652delC).
Protein change: p.Leu218_Val219insTer.
Molecular consequence: frameshift variant.
Genome position (GRCh38, 1-based): chr7:87,451,679, G deleted on the plus strand (C on the coding strand, the reverse complement: ABCB4 is on the minus strand); the first of 3 consecutive G bases (chr7:87,451,679-87,451,681); deleting any one gives the same sequence. VCF-style (leftmost placement, unchanged base first): chr7-87451678-AG-A. GRCh37 (hg19) VCF-style: chr7-87080994-AG-A.
Other names: c.652del, p.Leu218_Val219insTer (NM_018849.3, NM_018850.3).
Identifiers: ClinVar variation 812753 (VCV000812753.3), dbSNP rs1584763429, ClinGen allele CA915945331.
Genomic context (GRCh38, chr7:87,451,678, plus strand): 5'-CATACCTTTGCCCAAACGGCTGCAGAGAGTCCTAGAATAGGGCTGATGGCCATTATCACA[AG>A]GGTGAGCTTCCATCCTCTGATGAATCCCACTATGAATCCTGCAAAAAACGTGGCTACTGC-3'